The following is an entry in ClinVar:

ClinVar aggregate classification (germline): Uncertain significance (1 of 4 stars; one submission).

Conditions:
Dystonia 12 (DYT12). Also called: Rapid-Onset Dystonia-Parkinsonism (RDP); DYT-ATP1A3. Identifiers: Orphanet 71517, MedGen C1868681, MONDO:0007496, OMIM 128235.

Submission:

Labcorp Genetics (formerly Invitae), Labcorp
Classification: Uncertain significance for Dystonia 12. Last evaluated: 2024-12-11. Review status: criteria provided, single submitter. Criteria: Invitae Variant Classification Sherloc (09022015). Collection method: clinical testing. Allele origin: germline.
Comment: This sequence change replaces lysine, which is basic and polar, with asparagine, which is neutral and polar, at codon 764 of the ATP1A3 protein (p.Lys764Asn). This variant is not present in population databases (gnomAD no frequency). This variant has not been reported in the literature in individuals affected with ATP1A3-related conditions. Invitae Evidence Modeling of protein sequence and biophysical properties (such as structural, functional, and spatial information, amino acid conservation, physicochemical variation, residue mobility, and thermodynamic stability) indicates that this missense variant is expected to disrupt ATP1A3 protein function with a positive predictive value of 95%. In summary, the available evidence is currently insufficient to determine the role of this variant in disease. Therefore, it has been classified as a Variant of Uncertain Significance.

NM_152296.5(ATP1A3):c.2292G>T (p.Lys764Asn)

Gene: ATP1A3 (ATPase Na+/K+ transporting subunit alpha 3; minus strand). Cytogenetic location: 19q13.2.
Variant type: single nucleotide variant.
Coding change: c.2292G>T on transcript NM_152296.5 (MANE Select); coding-DNA position 2292, G replaced by T.
Protein change: p.Lys764Asn; replaces lysine 764 with asparagine.
Molecular consequence: missense variant.
Genome position (GRCh38, 1-based): chr19:41,970,514, C>A on the plus strand (G>T on the coding strand, the complement: ATP1A3 is on the minus strand). VCF-style: chr19-41970514-C-A. GRCh37 (hg19) VCF-style: chr19-42474666-C-A.
Other names: c.2325G>T, p.Lys775Asn (NM_001256213.2); c.2331G>T, p.Lys777Asn (NM_001256214.2); short protein forms K775N, K764N, K777N.
Identifiers: ClinVar variation 3636262 (VCV003636262.2).